The following is an entry in ClinVar:

NM_015474.4(SAMHD1):c.64C>T (p.Pro22Ser)

Gene: SAMHD1 (SAM and HD domain containing deoxynucleoside triphosphate triphosphohydrolase 1; minus strand). Cytogenetic location: 20q11.23.
Variant type: single nucleotide variant.
Coding change: c.64C>T on transcript NM_015474.4 (MANE Select); coding-DNA position 64, C replaced by T.
Protein change: p.Pro22Ser; replaces proline 22 with serine.
Molecular consequence: missense variant.
Genome position (GRCh38, 1-based): chr20:36,951,580, G>A on the plus strand (C>T on the coding strand, the complement: SAMHD1 is on the minus strand). VCF-style: chr20-36951580-G-A. GRCh37 (hg19) VCF-style: chr20-35579983-G-A.
Other names: c.64C>T, p.Pro22Ser (NM_001363729.2, NM_001363733.2); short protein forms P22S.
Identifiers: ClinVar variation 4710582 (VCV004710582.1).
Genomic context (GRCh38, chr20:36,951,580, plus strand): 5'-AGTCGGGATGGAGTTCCAGGCCCGGGGACCAGTCTGCCTCTGCGGAAGGGGTGTTTGAGG[G>A]GGTTCTCGGGCTGTCATCGCAACGGGGACGCTTGGAGGGCTGCTCGGAATCGGCTCGCTG-3'
Protein context (NP_056289.2, residues 12-32): RPRCDDSPRT[Pro22Ser]SNTPSAEADW

ClinVar aggregate classification (germline): Uncertain significance (1 of 4 stars; one submission).

Conditions:
Aicardi-Goutieres syndrome 5. Identifiers: Orphanet 51, MedGen C2749659, MONDO:0013059, OMIM 612952.

gnomAD v4.1: 5 of 1,614,066 alleles (0.00031%); highest among the groups gnomAD compares: East Asian, 0.011%; no homozygotes.

Submission:

Labcorp Genetics (formerly Invitae), Labcorp
Classification: Uncertain significance for Aicardi-Goutieres syndrome 5. Last evaluated: 2025-09-27. Review status: criteria provided, single submitter. Criteria: Invitae Variant Classification Sherloc (09022015). Collection method: clinical testing. Allele origin: germline.
Comment: This sequence change replaces proline, which is neutral and non-polar, with serine, which is neutral and polar, at codon 22 of the SAMHD1 protein (p.Pro22Ser). This variant is present in population databases (rs772335453, gnomAD 0.02%). This variant has not been reported in the literature in individuals affected with SAMHD1-related conditions. Invitae Evidence Modeling of protein sequence and biophysical properties (such as structural, functional, and spatial information, amino acid conservation, physicochemical variation, residue mobility, and thermodynamic stability) indicates that this missense variant is not expected to disrupt SAMHD1 protein function with a negative predictive value of 95%. Experimental studies have shown that this missense change affects SAMHD1 function (PMID: 26504826). In summary, the available evidence is currently insufficient to determine the role of this variant in disease. Therefore, it has been classified as a Variant of Uncertain Significance.

Literature cited by the submitters: PubMed 26504826.